The following is an entry in ClinVar:

ClinVar aggregate classification (germline): Likely benign. Review status: criteria provided, multiple submitters, no conflicts (2 of 4 stars). 2 submissions from 2 submitters: Likely benign (2). Last evaluated 2024-11-14.

Conditions:
MAFA-related disorder. Also called: MAFA-related condition.

Submissions (2):

PreventionGenetics, part of Exact Sciences
Classification: Likely benign for MAFA-related condition. Last evaluated: 2024-11-14. Review status: criteria provided, single submitter. Criteria: ACMG Guidelines, 2015. Collection method: clinical testing. Allele origin: germline.
Comment: This variant is classified as likely benign based on ACMG/AMP sequence variant interpretation guidelines (Richards et al. 2015 PMID: 25741868, with internal and published modifications).

Genetic Services Laboratory, University of Chicago
Classification: Likely benign. Last evaluated: 2021-02-03. Review status: criteria provided, single submitter. Criteria: ACMG Guidelines, 2015. Collection method: clinical testing. Allele origin: germline. Affected: no.

NM_201589.4(MAFA):c.445GGCGCGCACCAC[1] (p.149GAHH[1])

Gene: MAFA (MAF bZIP transcription factor A; minus strand). Cytogenetic location: 8q24.3.
Variant type: Microsatellite.
Coding change: c.445GGCGCGCACCAC[1] on transcript NM_201589.4 (MANE Select); one copy of the 12-base unit GGCGCGCACCAC starting at c.445; the reference has two copies in a row; one copy, 12 bases deleted.
Protein change: p.149GAHH[1].
Molecular consequence: inframe deletion.
Genome position (GRCh38, 1-based): chr8:143,429,939-143,429,950, GTGGTGCGCGCC deleted on the plus strand (GGCGCGCACCAC on the coding strand, the reverse complement: MAFA is on the minus strand); deleting any 12 consecutive bases within chr8:143,429,939-143,429,968 gives the same sequence; the position shown is the placement nearest the transcript's 3' end. VCF-style (leftmost placement, unchanged base first): chr8-143429938-GGTGGTGCGCGCC-G. GRCh37 (hg19) VCF-style: chr8-144512108-GGTGGTGCGCGCC-G.
Other names: c.457_468del12 (NM_201589.3).
Identifiers: ClinVar variation 1336038 (VCV001336038.5), dbSNP rs537082716, ClinGen allele CA4909948.